The following is an entry in ClinVar:

ClinVar aggregate classification (germline): Pathogenic/Likely pathogenic. Review status: criteria provided, multiple submitters, no conflicts (2 of 4 stars). 5 submissions from 5 submitters: Pathogenic (1); Likely pathogenic (3). 1 of the submissions does not count toward it. Last evaluated 2026-07-01.

Conditions:
Neurofibromatosis, type 1 (NF1). Also called: NEUROFIBROMATOSIS, TYPE I, SOMATIC; VON RECKLINGHAUSEN DISEASE; Peripheral type neurofibromatosis; Neurofibromatosis, type I. Identifiers: Orphanet 636, MedGen C0027831, MONDO:0018975, OMIM 162200. Disease mechanism: loss of function.

Submissions (5):

GeneDx
Classification: Likely pathogenic. Last evaluated: 2026-07-01. Review status: criteria provided, single submitter. Criteria: GeneDx Variant Classification Process June 2021. Collection method: clinical testing. Allele origin: germline.
Comment: Not observed at significant frequency in large population cohorts (gnomAD); In silico analysis supports that this missense variant has a deleterious effect on protein structure/function; This variant is associated with the following publications: (PMID: 23656349, 30308447, 18041031, 34944956)

Labcorp Genetics (formerly Invitae), Labcorp
Classification: Pathogenic for Neurofibromatosis, type 1. Last evaluated: 2025-10-01. Review status: criteria provided, single submitter. Criteria: Invitae Variant Classification Sherloc (09022015). Collection method: clinical testing. Allele origin: germline.
Comment: This sequence change replaces isoleucine, which is neutral and non-polar, with threonine, which is neutral and polar, at codon 1824 of the NF1 protein (p.Ile1824Thr). This variant is not present in population databases (gnomAD no frequency). This missense change has been observed in individuals with neurofibromatosis type 1 (PMID: 23656349; internal data). This variant is also known as p.Ile1845Thr. ClinVar contains an entry for this variant (Variation ID: 855874). Invitae Evidence Modeling of protein sequence and biophysical properties (such as structural, functional, and spatial information, amino acid conservation, physicochemical variation, residue mobility, and thermodynamic stability) indicates that this missense variant is expected to disrupt NF1 protein function with a positive predictive value of 95%. This variant disrupts the p.Ile1824 amino acid residue in NF1. Other variant(s) that disrupt this residue have been determined to be pathogenic (internal data). This suggests that this residue is clinically significant, and that variants that disrupt this residue are likely to be disease-causing. For these reasons, this variant has been classified as Pathogenic.

Division of Genetic & Genomic Pathology, Hong Kong Children's Hospital
Classification: Likely pathogenic for Neurofibromatosis, type 1. Last evaluated: 2025-05-08. Review status: criteria provided, single submitter. Criteria: ACMG Guidelines, 2015. Collection method: clinical testing. Allele origin: germline. Affected: yes.
Comment: NF1 c.5471T>C p.(Ile1824Thr) is a missense variant located in exon 37. The variant is absent from control populations (gnomAD v2.1.1 and v4.1.0). It has a REVEL score of 0.815, which is predicted to be moderately deleterious. The variant has been reported in a father-son pair, both with multiple cafe-au-lait macules (CALMs) and macrocephaly (PMID: 30308447). It has been reported as pathogenic/likely pathogenic by two submitters in ClinVar but no details were provided (ClinVar accession: VCV000855874.5). Another missense variant affecting the same amino acid residue (p.Ile1845Ser) has been classified as pathogenic/likely pathogenic in ClinVar (ClinVar accession: VCV000404550.4). The NF1 c.5471T>C p.(Ile1824Thr) variant was segregate in the family.

Juno Genomics, Hangzhou Juno Genomics, Inc
Classification: Likely pathogenic for Neurofibromatosis, type 1. Review status: criteria provided, single submitter. Criteria: ACMG Guidelines, 2015. Collection method: clinical testing. Allele origin: germline. Affected: yes.
Comment: Absent from controls (or at extremely low frequency if recessive) in Genome Aggregation Database, Exome Sequencing Project, 1000 Genomes Project, or Exome Aggregation Consortium.;Novel missense change at an amino acid residue where a different missense change determined to be pathogenic has been seen before.;Multiple lines of computational evidence support a deleterious effect on the gene or gene product (conservation, evolutionary, splicing impact, etc).;Missense variant in a gene that has a low rate of benign missense variation and where missense variants are a common mechanism of disease.;The prevalence of the variant in affected individuals is significantly increased compared to the prevalence in controls.;Patient's phenotype or family history is highly specific for a disease with a single genetic etiology.

Laboratory of Medical Genetics, National & Kapodistrian University of Athens
Classification: Likely pathogenic for Neurofibromatosis, type 1. Last evaluated: 2019-01-01. Review status: no assertion criteria provided. Collection method: clinical testing. Allele origin: germline. Affected: yes. Not counted in ClinVar's aggregate classification.

Literature cited by the submitters: PubMed 23656349 (cited by Labcorp Genetics (formerly Invitae), Labcorp); PubMed 30308447 (cited by Division of Genetic & Genomic Pathology, Hong Kong Children's Hospital).

NM_001042492.3(NF1):c.5534T>C (p.Ile1845Thr)

Gene: NF1 (neurofibromin 1; plus strand). Cytogenetic location: 17q11.2.
Variant type: single nucleotide variant.
Coding change: c.5534T>C on transcript NM_001042492.3 (MANE Select); coding-DNA position 5534, T replaced by C.
Protein change: p.Ile1845Thr; replaces isoleucine 1845 with threonine.
Molecular consequence: missense variant.
Genome position (GRCh38, 1-based): chr17:31,327,764, T>C. VCF-style: chr17-31327764-T-C. GRCh37 (hg19) VCF-style: chr17-29654782-T-C.
Other names: c.5471T>C, p.Ile1824Thr (NM_000267.4); short protein forms I1824T, I1845T.
Identifiers: ClinVar variation 855874 (VCV000855874.11), dbSNP rs1060500339, ClinGen allele CA399009792.